The following is an entry in ClinVar:

ClinVar aggregate classification (germline): Conflicting classifications of pathogenicity. Review status: criteria provided, conflicting classifications (1 of 4 stars). 5 submissions from 5 submitters: Uncertain significance (3); Likely benign (2). Last evaluated 2026-03-13.

Conditions:
Inborn genetic diseases. Identifiers: MedGen C0950123, MeSH D030342.

Allele frequency attached by ClinVar (database versions not stated): gnomAD exomes 0.00008; TOPMed 0.00008; gnomAD 0.00009 and 0.00010; 1000 Genomes Project 30x 0.00031.
gnomAD v4.1: 100 of 1,237,572 alleles (0.0081%); highest among the groups gnomAD compares: Non-Finnish European, 0.009%; no homozygotes.

Submissions (5):

Women's Health and Genetics/Laboratory Corporation of America, LabCorp
Classification: Uncertain significance. Last evaluated: 2026-03-13. Review status: criteria provided, single submitter. Criteria: LabCorp Variant Classification Summary - May 2015. Collection method: clinical testing. Allele origin: germline.
Comment: Variant summary: NOTCH3 c.4046C>T (p.Ser1349Phe) results in a non-conservative amino acid change in the encoded protein sequence. Algorithms developed to predict the effect of missense changes on protein structure and function all suggest that this variant is likely to be disruptive. The variant allele was found at a frequency of 8.1e-05 in 1233490 control chromosomes. This frequency is not significantly higher than estimated for disease-causing variants in NOTCH3, allowing no conclusion about variant significance. To our knowledge, no occurrence of c.4046C>T in individuals affected with NOTCH3-related conditions and no experimental evidence demonstrating its impact on protein function have been reported. ClinVar contains an entry for this variant (Variation ID: 447845). Based on the evidence outlined above, the variant was classified as uncertain significance.

GeneDx
Classification: Uncertain significance. Last evaluated: 2026-02-09. Review status: criteria provided, single submitter. Criteria: GeneDx Variant Classification Process June 2021. Collection method: clinical testing. Allele origin: germline.
Comment: In silico analysis supports that this missense variant has a deleterious effect on protein structure/function; Has not been previously published as pathogenic or benign to our knowledge

Athena Diagnostics
Classification: Likely benign. Last evaluated: 2025-08-15. Review status: criteria provided, single submitter. Criteria: Athena Diagnostics Criteria. Collection method: clinical testing. Allele origin: unknown.
Comment: The frequency of this variant in the general population is higher than would generally be expected for pathogenic variants in this gene. This variant has been seen where an alternate explanation for disease was also identified.

Mayo Clinic Laboratories, Mayo Clinic
Classification: Likely benign. Last evaluated: 2025-07-31. Review status: criteria provided, single submitter. Criteria: ACMG Guidelines, 2015. Collection method: clinical testing. Allele origin: germline. Observed: 1 variant allele.
Comment: BS2, BP1

Ambry Genetics
Classification: Uncertain significance for Inborn genetic diseases. Last evaluated: 2021-11-12. Review status: criteria provided, single submitter. Criteria: Ambry Variant Classification Scheme 2023. Collection method: clinical testing. Allele origin: germline.

NM_000435.3(NOTCH3):c.4046C>T (p.Ser1349Phe)

Gene: NOTCH3 (notch receptor 3; minus strand). Cytogenetic location: 19p13.12.
Variant type: single nucleotide variant.
Coding change: c.4046C>T on transcript NM_000435.3 (MANE Select); coding-DNA position 4046, C replaced by T.
Protein change: p.Ser1349Phe; replaces serine 1349 with phenylalanine.
Molecular consequence: missense variant.
Genome position (GRCh38, 1-based): chr19:15,177,882, G>A on the plus strand (C>T on the coding strand, the complement: NOTCH3 is on the minus strand). VCF-style: chr19-15177882-G-A. GRCh37 (hg19) VCF-style: chr19-15288693-G-A.
Other names: short protein forms S1349F.
Identifiers: ClinVar variation 447845 (VCV000447845.9), dbSNP rs937871148, ClinGen allele CA305768942.